The following is an entry in ClinVar:

ClinVar aggregate classification (germline): Uncertain significance (1 of 4 stars; one submission).

Allele frequency attached by ClinVar (database versions not stated): TOPMed below 0.00001.

Submission:

GeneDx
Classification: Uncertain significance. Last evaluated: 2015-12-18. Review status: criteria provided, single submitter. Criteria: GeneDx Variant Classification (06012015). Collection method: clinical testing. Allele origin: germline. Affected: yes.
Comment: The E163Q variant in the NEFL gene has not been reported previously as a pathogenic variant, nor asa benign variant, to our knowledge. The E163Q variant was not observed in approximately 6,100individuals of European and African American ancestry in the NHLBI Exome Sequencing Project,indicating it is not a common benign variant in these populations. The E163Q variant is asemi-conservative amino acid substitution, which may impact secondary protein structure as theseresidues differ in some properties. This substitution occurs at a position that is conserved in mammals.In silico analysis is inconsistent in its predictions as to whether or not the variant is damaging to theprotein structure/function. We interpret E163Q as a variant of uncertain significance.

NM_006158.5(NEFL):c.487G>C (p.Glu163Gln)

Gene: NEFL (neurofilament light chain; minus strand). Cytogenetic location: 8p21.2.
Variant type: single nucleotide variant.
Coding change: c.487G>C on transcript NM_006158.5 (MANE Select); coding-DNA position 487, G replaced by C.
Protein change: p.Glu163Gln; replaces glutamic acid 163 with glutamine.
Molecular consequence: missense variant.
Genome position (GRCh38, 1-based): chr8:24,956,029, C>G on the plus strand (G>C on the coding strand, the complement: NEFL is on the minus strand). VCF-style: chr8-24956029-C-G. GRCh37 (hg19) VCF-style: chr8-24813543-C-G.
Other names: short protein forms E163Q.
Identifiers: ClinVar variation 234676 (VCV000234676.2), dbSNP rs876661155, ClinGen allele CA10577362.